The following is an entry in ClinVar:

ClinVar aggregate classification (germline): Conflicting classifications of pathogenicity. Review status: criteria provided, conflicting classifications (1 of 4 stars). 3 submissions from 3 submitters: Uncertain significance (1); Likely benign (2). Last evaluated 2025-10-30.

Allele frequency attached by ClinVar (database versions not stated): 1000 Genomes Project 30x 0.00016; 1000 Genomes Project 0.00020; TOPMed 0.00198; ESP Exome Variant Server 0.00269; ExAC 0.00321; gnomAD 0.00459.

Submissions (3):

Ambry Genetics
Classification: Uncertain significance. Last evaluated: 2025-10-30. Review status: criteria provided, single submitter. Criteria: Ambry Variant Classification Scheme 2023. Collection method: clinical testing. Allele origin: germline.

CeGaT Center for Human Genetics Tuebingen
Classification: Likely benign. Last evaluated: 2023-01-01. Review status: criteria provided, single submitter. Criteria: CeGaT Center For Human Genetics Tuebingen Variant Classification Criteria Version 2. Collection method: clinical testing. Allele origin: germline. Affected: yes. Observed: 1 variant allele.
Comment: NES: BP4, BS2

Labcorp Genetics (formerly Invitae), Labcorp
Classification: Likely benign. Last evaluated: 2018-07-10. Review status: criteria provided, single submitter. Criteria: Invitae Variant Classification Sherloc (09022015). Collection method: clinical testing. Allele origin: germline.

NM_006617.2(NES):c.2234G>C (p.Arg745Thr)

Gene: NES (nestin; minus strand). Cytogenetic location: 1q23.1.
Variant type: single nucleotide variant.
Coding change: c.2234G>C on transcript NM_006617.2 (MANE Select); coding-DNA position 2234, G replaced by C.
Protein change: p.Arg745Thr; replaces arginine 745 with threonine.
Molecular consequence: missense variant.
Genome position (GRCh38, 1-based): chr1:156,671,954, C>G on the plus strand (G>C on the coding strand, the complement: NES is on the minus strand). VCF-style: chr1-156671954-C-G. GRCh37 (hg19) VCF-style: chr1-156641746-C-G.
Other names: short protein forms R745T.
Identifiers: ClinVar variation 733942 (VCV000733942.27), dbSNP rs140652000, ClinGen allele CA1165002.
Genomic context (GRCh38, chr1:156,671,954, plus strand): 5'-CGCTGTTGAGTCTCTTTTTCAAGAGTTCTCAATGTCTCTTGGTCCTGTTCTTCTAAAGAC[C>G]TCAGTGATTTGTGATTCTCTGTTTCTAGAGGTCTCACAATACTCTGGTCCTCTTCTTCTA-3'
Protein context (NP_006608.1, residues 735-755): PLETENHKSL[Arg745Thr]SLEEQDQETL